The following is an entry in ClinVar:

ClinVar aggregate classification (germline): Conflicting classifications of pathogenicity. Review status: criteria provided, conflicting classifications (1 of 4 stars). 2 submissions from 2 submitters: Pathogenic (1); Uncertain significance (1). Last evaluated 2026-04-24.

Conditions:
Hereditary cancer-predisposing syndrome. Also called: Tumor predisposition; Hereditary Cancer Syndrome; Neoplastic Syndromes, Hereditary; Hereditary neoplastic syndrome. Identifiers: Orphanet 140162, MedGen C0027672, MeSH D009386, MONDO:0015356.

Submissions (2):

Ambry Genetics
Classification: Uncertain significance for Hereditary cancer-predisposing syndrome. Last evaluated: 2026-04-24. Review status: criteria provided, single submitter. Criteria: Ambry Variant Classification Scheme 2023. Collection method: clinical testing. Allele origin: germline.
Comment: The p.E1749* variant (also known as c.5245G>T), located in coding exon 39 of the POLE gene, results from a G to T substitution at nucleotide position 5245. This changes the amino acid from a glutamic acid to a stop codon within coding exon 39. Although biallelic loss of function of POLE has been associated with autosomal recessive POLE deficiency, haploinsufficiency of POLE has not been established as a mechanism of disease for POLE-related polymerase proofreading-associated polyposis (PPAP) and POLE-related CMMRD-like syndrome. Based on the supporting evidence, this variant is expected to be causative of POLE deficiency when present along with a second pathogenic variant on the other allele; however, its clinical significance for PPAP and POLE-related CMMRD-like syndrome is unclear.

Labcorp Genetics (formerly Invitae), Labcorp
Classification: Pathogenic. Last evaluated: 2022-12-19. Review status: criteria provided, single submitter. Criteria: Invitae Variant Classification Sherloc (09022015). Collection method: clinical testing. Allele origin: germline.
Comment: Algorithms developed to predict the effect of sequence changes on RNA splicing suggest that this variant may create or strengthen a splice site. For these reasons, this variant has been classified as Pathogenic. ClinVar contains an entry for this variant (Variation ID: 654345). This variant has not been reported in the literature in individuals affected with POLE-related conditions. This variant is not present in population databases (gnomAD no frequency). This sequence change creates a premature translational stop signal (p.Glu1749*) in the POLE gene. It is expected to result in an absent or disrupted protein product. Loss-of-function variants in POLE are known to be pathogenic (PMID: 23230001, 25948378, 30503519).

Literature cited by the submitters: PubMed 23230001 (cited by Labcorp Genetics (formerly Invitae), Labcorp); PubMed 25948378 (cited by Labcorp Genetics (formerly Invitae), Labcorp); PubMed 30503519 (cited by Labcorp Genetics (formerly Invitae), Labcorp).

NM_006231.4(POLE):c.5245G>T (p.Glu1749Ter)

Gene: POLE (DNA polymerase epsilon, catalytic subunit; minus strand). Cytogenetic location: 12q24.33.
Variant type: single nucleotide variant.
Coding change: c.5245G>T on transcript NM_006231.4 (MANE Select); coding-DNA position 5245, G replaced by T.
Protein change: p.Glu1749Ter; replaces glutamic acid 1749 with a stop codon.
Molecular consequence: nonsense.
Genome position (GRCh38, 1-based): chr12:132,641,780, C>A on the plus strand (G>T on the coding strand, the complement: POLE is on the minus strand). VCF-style: chr12-132641780-C-A. GRCh37 (hg19) VCF-style: chr12-133218366-C-A.
Other names: c.5245G>T (NM_006231.2); short protein forms E1749*.
Identifiers: ClinVar variation 654345 (VCV000654345.9), dbSNP rs1593728038, ClinGen allele CA387376350.